The following is an entry in ClinVar:

ClinVar aggregate classification (germline): Likely pathogenic. Review status: criteria provided, multiple submitters, no conflicts (2 of 4 stars). 2 submissions from 2 submitters: Likely pathogenic (2). Last evaluated 2025-02-04.

Conditions:
Alport syndrome. Also called: Hemorrhagic familial nephritis; Hemorrhagic hereditary nephritis; Congenital hereditary hematuria. Identifiers: Orphanet 63, MedGen C1567741, MONDO:0018965.

Submissions (2):

Labcorp Genetics (formerly Invitae), Labcorp
Classification: Likely pathogenic. Last evaluated: 2025-02-04. Review status: criteria provided, single submitter. Criteria: Invitae Variant Classification Sherloc (09022015). Collection method: clinical testing. Allele origin: germline.
Comment: This sequence change replaces glycine, which is neutral and non-polar, with glutamic acid, which is acidic and polar, at codon 1445 of the COL4A5 protein (p.Gly1445Glu). This variant is not present in population databases (gnomAD no frequency). This missense change has been observed in individual(s) with Alport syndrome (PMID: 35020912). ClinVar contains an entry for this variant (Variation ID: 2775428). Invitae Evidence Modeling of protein sequence and biophysical properties (such as structural, functional, and spatial information, amino acid conservation, physicochemical variation, residue mobility, and thermodynamic stability) indicates that this missense variant is expected to disrupt COL4A5 protein function with a positive predictive value of 95%. This variant disrupts the triple helix domain of COL4A5. Glycine residues within the Gly-Xaa-Yaa repeats of the triple helix domain are required for the structure and stability of fibrillar collagens (PMID: 7695699, 8218237, 19344236). In COL4A5, missense variants at these glycine residues are significantly enriched in individuals with disease (PMID: 23720012, 27627812) compared to the general population (ExAC). In summary, the currently available evidence indicates that the variant is pathogenic, but additional data are needed to prove that conclusively. Therefore, this variant has been classified as Likely Pathogenic.

MVZ Dr. Eberhard & Partner Dortmund
Classification: Likely pathogenic for Alport syndrome. Last evaluated: 2023-01-24. Review status: criteria provided, single submitter. Criteria: ACMG Guidelines, 2015. Collection method: clinical testing. Allele origin: unknown. Observed: 1 heterozygote.
Comment: This variant was listed as pathogenic in LOVD3 and absent from control databases. Splicing predictions were inconspicious but multiple lines of computational evidence support a deleterious effect on the gene or gene product. The amino acid is highly conserved and part of the Gly-X-Y sequence, known to be important for that protein (Savige et al. 2021).

Literature cited by the submitters: PubMed 35020912 (cited by Labcorp Genetics (formerly Invitae), Labcorp); PubMed 7695699 (cited by Labcorp Genetics (formerly Invitae), Labcorp); PubMed 8218237 (cited by Labcorp Genetics (formerly Invitae), Labcorp); PubMed 19344236 (cited by Labcorp Genetics (formerly Invitae), Labcorp); PubMed 23720012 (cited by Labcorp Genetics (formerly Invitae), Labcorp); PubMed 27627812 (cited by Labcorp Genetics (formerly Invitae), Labcorp); PubMed 33854215 (cited by MVZ Dr. Eberhard & Partner Dortmund).

NM_033380.3(COL4A5):c.4352G>A (p.Gly1451Glu)

Gene: COL4A5 (collagen type IV alpha 5 chain; plus strand). Cytogenetic location: Xq22.3.
Variant type: single nucleotide variant.
Coding change: c.4352G>A on transcript NM_033380.3 (MANE Select); coding-DNA position 4352, G replaced by A.
Protein change: p.Gly1451Glu; replaces glycine 1451 with glutamic acid.
Molecular consequence: missense variant.
Genome position (GRCh38, 1-based): chrX:108,687,518, G>A. VCF-style: chrX-108687518-G-A. GRCh37 (hg19) VCF-style: chrX-107930748-G-A.
Other names: c.4334G>A, p.Gly1445Glu (NM_000495.5); short protein forms G1445E, G1451E.
Identifiers: ClinVar variation 2775428 (VCV002775428.3), dbSNP rs2524632147, ClinGen allele CA413854022.